The following is an entry in ClinVar:

ClinVar aggregate classification (germline): Uncertain significance (1 of 4 stars; one submission).

Submission:

GeneDx
Classification: Uncertain significance. Last evaluated: 2024-04-03. Review status: criteria provided, single submitter. Criteria: GeneDx Variant Classification Process June 2021. Collection method: clinical testing. Allele origin: germline. Affected: yes.
Comment: Not observed at significant frequency in large population cohorts (gnomAD); In silico analysis supports that this missense variant has a deleterious effect on protein structure/function; Has not been previously published as pathogenic or benign to our knowledge

NM_000142.5(FGFR3):c.1310T>G (p.Leu437Arg)

Gene: FGFR3 (fibroblast growth factor receptor 3; plus strand). Cytogenetic location: 4p16.3.
Variant type: single nucleotide variant.
Coding change: c.1310T>G on transcript NM_000142.5 (MANE Select); coding-DNA position 1310, T replaced by G.
Protein change: p.Leu437Arg; replaces leucine 437 with arginine.
Molecular consequence: missense variant. On other transcripts: non-coding transcript variant (1).
Genome position (GRCh38, 1-based): chr4:1,804,867, T>G. VCF-style: chr4-1804867-T-G. GRCh37 (hg19) VCF-style: chr4-1806594-T-G.
Other names: c.1316T>G, p.Leu439Arg (NM_001163213.2); c.1313T>G, p.Leu438Arg (NM_001354809.2, NM_001354810.2); c.974T>G, p.Leu325Arg (NM_022965.4); short protein forms L325R, L437R, L438R, L439R.
Identifiers: ClinVar variation 3371952 (VCV003371952.1).